The following is an entry in ClinVar:

ClinVar aggregate classification (germline): Likely benign. Review status: criteria provided, multiple submitters, no conflicts (2 of 4 stars). 2 submissions from 2 submitters: Likely benign (2). Last evaluated 2026-07-01.

Allele frequency attached by ClinVar (database versions not stated): gnomAD 0.00001.
gnomAD v4.1: 1 of 1,538,108 alleles (0.000065%); highest among the groups gnomAD compares: South Asian, 0.0012%; no homozygotes.

Submissions (2):

CeGaT Center for Human Genetics Tuebingen
Classification: Likely benign. Last evaluated: 2026-07-01. Review status: criteria provided, single submitter. Criteria: CeGaT Center For Human Genetics Tuebingen Variant Classification Criteria Version 2. Collection method: clinical testing. Allele origin: germline. Affected: yes. Observed: 1 variant allele.
Comment: ZNF469: BP4, BP7

Labcorp Genetics (formerly Invitae), Labcorp
Classification: Likely benign. Last evaluated: 2023-04-10. Review status: criteria provided, single submitter. Criteria: Invitae Variant Classification Sherloc (09022015). Collection method: clinical testing. Allele origin: germline.

NM_001367624.2(ZNF469):c.10116G>A (p.Arg3372=)

Genes: ZNF469 (zinc finger protein 469; plus strand), LOC130059719 (ATAC-STARR-seq lymphoblastoid silent region 7848; plus strand). Cytogenetic location: 16q24.2.
Variant type: single nucleotide variant.
Coding change: c.10116G>A on transcript NM_001367624.2 (MANE Select); coding-DNA position 10116, G replaced by A.
Protein change: p.Arg3372=; no amino-acid change (arginine 3372 retained).
Molecular consequence: synonymous variant.
Genome position (GRCh38, 1-based): chr16:88,437,586, G>A. VCF-style: chr16-88437586-G-A. GRCh37 (hg19) VCF-style: chr16-88503994-G-A.
Identifiers: ClinVar variation 2775899 (VCV002775899.4), dbSNP rs1906684340, ClinGen allele CA497358788.
Genomic context (GRCh38, chr16:88,437,586, plus strand): 5'-GCAGCGCCACCTGGCGGTGCACAGCCCGCAGCGCGTCTACCTGTGCCCCCGGTGCCCCCG[G>A]GTCTACCCCGAGCACGGGGAGCTGCTGGCACACCTGGGCGGGGCGCACGGGCTGCTGGAG-3'
Protein context (NP_001354553.1, residues 3362-3382): QRVYLCPRCP[Arg3372=]VYPEHGELLA